The following is an entry in ClinVar:

NM_138420.4(AHNAK2):c.4395C>T (p.Ala1465=)

Gene: AHNAK2 (AHNAK nucleoprotein 2; minus strand). Cytogenetic location: 14q32.33.
Variant type: single nucleotide variant.
Coding change: c.4395C>T on transcript NM_138420.4 (MANE Select); coding-DNA position 4395, C replaced by T.
Protein change: p.Ala1465=; no amino-acid change (alanine 1465 retained).
Molecular consequence: synonymous variant.
Genome position (GRCh38, 1-based): chr14:104,951,056, G>A on the plus strand (C>T on the coding strand, the complement: AHNAK2 is on the minus strand). VCF-style: chr14-104951056-G-A. GRCh37 (hg19) VCF-style: chr14-105417393-G-A.
Other names: c.4095C>T, p.Ala1365= (NM_001350929.2).
Identifiers: ClinVar variation 4872470 (VCV004872470.2).
Genomic context (GRCh38, chr14:104,951,056, plus strand): 5'-GTCCTTGTCGGCCAGGGACATGTCCTCCTCCAGCCGTCCACCATCCAGCTTGGCTCCTGG[G>A]GCCTCGACATCCACCTCCACGCTGGGCAGAGAAACCTCCACATCAGGGGCTGTCACTTCC-3'
Protein context (NP_612429.2, residues 1455-1475): SLPSVEVDVE[Ala1465=]PGAKLDGGRL

ClinVar aggregate classification (germline): Likely benign (1 of 4 stars; one submission).

gnomAD v4.1: 23 of 1,062,454 alleles (0.0022%); highest among the groups gnomAD compares: East Asian, 0.039%; 1 homozygote.

Submission:

CeGaT Center for Human Genetics Tuebingen
Classification: Likely benign. Last evaluated: 2026-04-01. Review status: criteria provided, single submitter. Criteria: CeGaT Center For Human Genetics Tuebingen Variant Classification Criteria Version 2. Collection method: clinical testing. Allele origin: germline. Affected: yes. Observed: 1 variant allele.
Comment: AHNAK2: BP4, BP7